The following is an entry in ClinVar:

ClinVar aggregate classification (germline): Uncertain significance (1 of 4 stars; one submission).

Conditions:
Hereditary cancer-predisposing syndrome. Also called: Neoplastic Syndromes, Hereditary; Tumor predisposition; Hereditary Cancer Syndrome; Hereditary neoplastic syndrome. Identifiers: Orphanet 140162, MedGen C0027672, MeSH D009386, MONDO:0015356.
Cardiovascular phenotype. Identifiers: MedGen CN230736.

Submission:

Ambry Genetics
Classification: Uncertain significance for Cardiovascular phenotype; Hereditary cancer-predisposing syndrome. Last evaluated: 2021-05-12. Review status: criteria provided, single submitter. Criteria: Ambry Variant Classification Scheme 2023. Collection method: clinical testing. Allele origin: germline.
Comment: The p.L1297I variant (also known as c.3889C>A), located in coding exon 29 of the NF1 gene, results from a C to A substitution at nucleotide position 3889. The leucine at codon 1297 is replaced by isoleucine, an amino acid with highly similar properties. This amino acid position is highly conserved in available vertebrate species. In addition, this alteration is predicted to be deleterious by in silico analysis. Since supporting evidence is limited at this time, the clinical significance of this alteration remains unclear.

NM_001042492.3(NF1):c.3889C>A (p.Leu1297Ile)

Gene: NF1 (neurofibromin 1; plus strand). Cytogenetic location: 17q11.2.
Variant type: single nucleotide variant.
Coding change: c.3889C>A on transcript NM_001042492.3 (MANE Select); coding-DNA position 3889, C replaced by A.
Protein change: p.Leu1297Ile; replaces leucine 1297 with isoleucine.
Molecular consequence: missense variant.
Genome position (GRCh38, 1-based): chr17:31,235,936, C>A. VCF-style: chr17-31235936-C-A. GRCh37 (hg19) VCF-style: chr17-29562954-C-A.
Other names: c.3889C>A, p.Leu1297Ile (NM_000267.4); short protein forms L1297I.
Identifiers: ClinVar variation 1735862 (VCV001735862.2), dbSNP rs2151438528, ClinGen allele CA398993041.
Genomic context (GRCh38, chr17:31,235,936, plus strand): 5'-ATGGAGCAGGTATAATAAACTCCTATTCGTGCATTTCTGTAGGTATATGGTGCTACCTAT[C>A]TACAAAAACTCCTGGATCCTTTATTACGAATTGTGATCACATCCTCTGATTGGCAACATG-3'
Protein context (NP_001035957.1, residues 1287-1307): FCFKVYGATY[Leu1297Ile]QKLLDPLLRI